The following is an entry in ClinVar:

NM_000059.4(BRCA2):c.2845T>A (p.Tyr949Asn)

Gene: BRCA2 (BRCA2 DNA repair associated; plus strand). Cytogenetic location: 13q13.1.
Variant type: single nucleotide variant.
Coding change: c.2845T>A on transcript NM_000059.4 (MANE Select); coding-DNA position 2845, T replaced by A.
Protein change: p.Tyr949Asn; replaces tyrosine 949 with asparagine.
Molecular consequence: missense variant.
Genome position (GRCh38, 1-based): chr13:32,337,200, T>A. VCF-style: chr13-32337200-T-A. GRCh37 (hg19) VCF-style: chr13-32911337-T-A.
Other names: short protein forms Y949N.
Identifiers: ClinVar variation 1506705 (VCV001506705.7), dbSNP rs1328742081, ClinGen allele CA387773906.

ClinVar aggregate classification (germline): Conflicting classifications of pathogenicity. Review status: criteria provided, conflicting classifications (1 of 4 stars). 2 submissions from 2 submitters: Uncertain significance (1); Likely benign (1). Last evaluated 2025-10-01.

Conditions:
Hereditary cancer-predisposing syndrome. Also called: Hereditary neoplastic syndrome; Tumor predisposition; Neoplastic Syndromes, Hereditary; Hereditary Cancer Syndrome. Identifiers: Orphanet 140162, MedGen C0027672, MeSH D009386, MONDO:0015356.
Hereditary breast ovarian cancer syndrome. Also called: Hereditary breast and ovarian cancer; Breast and ovarian cancer; BRCA1- and BRCA2-Associated Hereditary Breast and Ovarian Cancer; Hereditary breast and/or ovarian cancer syndrome; Hereditary breast and ovarian cancer syndrome; Hereditary breast and ovarian cancer syndrome (HBOC). Identifiers: Orphanet 145, MedGen C0677776, MeSH D061325, MONDO:0003582. Disease mechanism: loss of function.

Submissions (2):

Labcorp Genetics (formerly Invitae), Labcorp
Classification: Uncertain significance for Hereditary breast ovarian cancer syndrome. Last evaluated: 2025-10-01. Review status: criteria provided, single submitter. Criteria: Invitae Variant Classification Sherloc (09022015). Collection method: clinical testing. Allele origin: germline.
Comment: This sequence change replaces tyrosine, which is neutral and polar, with asparagine, which is neutral and polar, at codon 949 of the BRCA2 protein (p.Tyr949Asn). This variant is not present in population databases (gnomAD no frequency). This variant has not been reported in the literature in individuals affected with BRCA2-related conditions. ClinVar contains an entry for this variant (Variation ID: 1506705). Invitae Evidence Modeling of protein sequence and biophysical properties (such as structural, functional, and spatial information, amino acid conservation, physicochemical variation, residue mobility, and thermodynamic stability) indicates that this missense variant is not expected to disrupt BRCA2 protein function with a negative predictive value of 95%. In summary, the available evidence is currently insufficient to determine the role of this variant in disease. Therefore, it has been classified as a Variant of Uncertain Significance.

University of Washington Department of Laboratory Medicine, University of Washington
Classification: Likely benign for Hereditary cancer-predisposing syndrome. Last evaluated: 2023-03-23. Review status: criteria provided, single submitter. Criteria: Dines et al. (Genet Med. 2020). Collection method: curation. Allele origin: germline.
Comment: Missense variant in a coldspot region where missense variants are very unlikely to be pathogenic (PMID:31911673).

BRCA2 exon 11 coldspot. Reclassification based on statistical prior probability.